The following is an entry in ClinVar:

ClinVar aggregate classification (germline): Pathogenic. Review status: criteria provided, multiple submitters, no conflicts (2 of 4 stars). 4 submissions from 4 submitters: Pathogenic (4). Last evaluated 2026-01-14.

Conditions:
SDCCAG8-related disorder. Also called: SDCCAG8-related condition; SDCCAG8-Related Disorders.
Inborn genetic diseases. Identifiers: MedGen C0950123, MeSH D030342.
Bardet-Biedl syndrome 16 (BBS16). Identifiers: Orphanet 110, MedGen C3889474, MONDO:0014444, OMIM 615993.
Senior-Loken syndrome 7 (SLSN7). Identifiers: Orphanet 3156, MedGen C3150877, MONDO:0013326, OMIM 613615.

Allele frequency attached by ClinVar (database versions not stated): gnomAD exomes 0.00001; ExAC 0.00002.
gnomAD v4.1: 8 of 1,603,456 alleles (0.0005%); highest among the groups gnomAD compares: Admixed American, 0.0067%; no homozygotes.

Submissions (4):

Dasa
Classification: Pathogenic. Last evaluated: 2026-01-14. Review status: criteria provided, single submitter. Criteria: DASA Assertion Criteria. Collection method: clinical testing. Allele origin: germline.
Comment: NM_006642.5(SDCCAG8):c.397G>T (p.Glu133*) introduces a premature termination codon predicted to result in loss of normal protein function. Loss-of-function is an established mechanism of disease for this gene. This variant has been recurrently observed in individuals with related phenotype (PMID: 39806488; PMID: 38189974). The variant is present at low frequency in population datasets. Based on the available data, this variant is classified as pathogenic.

PreventionGenetics, part of Exact Sciences
Classification: Pathogenic for SDCCAG8-related condition. Last evaluated: 2025-04-10. Review status: criteria provided, single submitter. Criteria: ACMG Guidelines, 2015. Collection method: clinical testing. Allele origin: germline.
Comment: The SDCCAG8 c.397G>T variant is predicted to result in premature protein termination (p.Glu133*). This variant has been reported in the homozygous state in at least two individuals with Bardet-Biedl syndrome or Senior-Loken syndrome (Table S1, Cortinhal et al. 2024. PubMed ID: 38189974; Machado et al. 2025. PubMed ID: 39806488). This variant is reported in 0.0087% of alleles in individuals of Latino descent in gnomAD. Nonsense variants in SDCCAG8 are expected to be pathogenic. This variant is interpreted as pathogenic.

Labcorp Genetics (formerly Invitae), Labcorp
Classification: Pathogenic for Bardet-Biedl syndrome 16; Senior-Loken syndrome 7. Last evaluated: 2025-03-17. Review status: criteria provided, single submitter. Criteria: Invitae Variant Classification Sherloc (09022015). Collection method: clinical testing. Allele origin: germline.
Comment: This sequence change creates a premature translational stop signal (p.Glu133*) in the SDCCAG8 gene. It is expected to result in an absent or disrupted protein product. Loss-of-function variants in SDCCAG8 are known to be pathogenic (PMID: 20835237, 22190896). This variant is present in population databases (rs768207230, gnomAD 0.009%). This variant has not been reported in the literature in individuals affected with SDCCAG8-related conditions. ClinVar contains an entry for this variant (Variation ID: 2048826). For these reasons, this variant has been classified as Pathogenic.

Ambry Genetics
Classification: Pathogenic for Inborn genetic diseases. Last evaluated: 2022-03-07. Review status: criteria provided, single submitter. Criteria: Ambry Variant Classification Scheme 2023. Collection method: clinical testing. Allele origin: germline.
Comment: The c.397G>T (p.E133*) alteration, located in exon 4 (coding exon 4) of the SDCCAG8 gene, consists of a G to T substitution at nucleotide position 397. This changes the amino acid from a glutamic acid (E) to a stop codon at amino acid position 133. This alteration is expected to result in loss of function by premature protein truncation or nonsense-mediated mRNA decay. Based on data from gnomAD, the T allele has an overall frequency of <0.01% (3/251258) total alleles studied. The highest observed frequency was 0.01% (3/34558) of Latino alleles. Based on the available evidence, this alteration is classified as pathogenic.

Literature cited by the submitters: PubMed 39806488 (cited by Dasa); PubMed 38189974 (cited by Dasa); PubMed 20835237 (cited by Labcorp Genetics (formerly Invitae), Labcorp); PubMed 22190896 (cited by Labcorp Genetics (formerly Invitae), Labcorp).

NM_006642.5(SDCCAG8):c.397G>T (p.Glu133Ter)

Gene: SDCCAG8 (SHH signaling and ciliogenesis regulator SDCCAG8; plus strand). Cytogenetic location: 1q43.
Variant type: single nucleotide variant.
Coding change: c.397G>T on transcript NM_006642.5 (MANE Select); coding-DNA position 397, G replaced by T.
Protein change: p.Glu133Ter; replaces glutamic acid 133 with a stop codon.
Molecular consequence: nonsense. On other transcripts: 5 prime UTR variant (3).
Genome position (GRCh38, 1-based): chr1:243,274,633, G>T. VCF-style: chr1-243274633-G-T. GRCh37 (hg19) VCF-style: chr1-243437935-G-T.
Other names: c.-716G>T (NM_001350246.2); c.-604G>T (NM_001350247.2); c.397G>T, p.Glu133Ter (NM_001350248.2); c.103G>T, p.Glu35Ter (NM_001350249.2); c.-977G>T (NM_001350251.2); c.397G>T (NM_006642.3); short protein forms E133*, E35*.
Identifiers: ClinVar variation 2048826 (VCV002048826.7), dbSNP rs768207230, ClinGen allele CA1483292.
Genomic context (GRCh38, chr1:243,274,633, plus strand): 5'-CCTACTATGCACGACCTTGTTCATACTATTAATGACCAGTCTCAATATATTCATCATTTA[G>T]AGGCAGAAGTTAAGTTCTGCAAGGTAAGTTTCTCATTAAGAATTTAAAACTAAATAAATG-3'